The following is an entry in ClinVar:

NM_001098.3(ACO2):c.275G>A (p.Arg92Gln)

Gene: ACO2 (aconitase 2; plus strand). Cytogenetic location: 22q13.2.
Variant type: single nucleotide variant.
Coding change: c.275G>A on transcript NM_001098.3 (MANE Select); coding-DNA position 275, G replaced by A.
Protein change: p.Arg92Gln; replaces arginine 92 with glutamine.
Molecular consequence: missense variant.
Genome position (GRCh38, 1-based): chr22:41,507,892, G>A. VCF-style: chr22-41507892-G-A. GRCh37 (hg19) VCF-style: chr22-41903896-G-A.
Other names: short protein forms R92Q.
Identifiers: ClinVar variation 950038 (VCV000950038.7), dbSNP rs147763800, ClinGen allele CA10257327.

ClinVar aggregate classification (germline): Uncertain significance (1 of 4 stars; one submission).

Allele frequency attached by ClinVar (database versions not stated): ExAC 0.00002; gnomAD exomes 0.00002; gnomAD 0.00003; TOPMed 0.00003; ESP Exome Variant Server 0.00008.
gnomAD v4.1: 32 of 1,614,110 alleles (0.002%); highest among the groups gnomAD compares: East Asian, 0.0067%; no homozygotes.

Submission:

Labcorp Genetics (formerly Invitae), Labcorp
Classification: Uncertain significance. Last evaluated: 2025-08-21. Review status: criteria provided, single submitter. Criteria: Invitae Variant Classification Sherloc (09022015). Collection method: clinical testing. Allele origin: germline.
Comment: This sequence change replaces arginine, which is basic and polar, with glutamine, which is neutral and polar, at codon 92 of the ACO2 protein (p.Arg92Gln). This variant is present in population databases (rs147763800, gnomAD 0.01%). This variant has not been reported in the literature in individuals affected with ACO2-related conditions. ClinVar contains an entry for this variant (Variation ID: 950038). Invitae Evidence Modeling of protein sequence and biophysical properties (such as structural, functional, and spatial information, amino acid conservation, physicochemical variation, residue mobility, and thermodynamic stability) indicates that this missense variant is not expected to disrupt ACO2 protein function with a negative predictive value of 80%. In summary, the available evidence is currently insufficient to determine the role of this variant in disease. Therefore, it has been classified as a Variant of Uncertain Significance.